The following is an entry in ClinVar:

ClinVar aggregate classification (germline): Pathogenic (1 of 4 stars; one submission).

Conditions:
Familial thoracic aortic aneurysm and aortic dissection (TAAD). Also called: Thoracic aortic aneurysms and dissections. Identifiers: Orphanet 91387, MedGen C4707243, MONDO:0019625.

Submission:

Ambry Genetics
Classification: Pathogenic for Familial thoracic aortic aneurysm and aortic dissection. Last evaluated: 2025-05-16. Review status: criteria provided, single submitter. Criteria: Ambry Variant Classification Scheme 2023. Collection method: clinical testing. Allele origin: germline.
Comment: The c.796delGins35 pathogenic mutation, located in coding exon 7 of the FBN1 gene, results from the deletion of one nucleotide and insertion of 35 nucleotides causing a translational frameshift with a predicted alternate stop codon (p.V266Ffs*16). This variant was reported in individual(s) with features consistent with Marfan syndrome (Ambry internal data). This variant is considered to be rare based on population cohorts in the Genome Aggregation Database (gnomAD). This alteration is expected to result in loss of function by premature protein truncation or nonsense-mediated mRNA decay. As such, this alteration is interpreted as a disease-causing mutation.

NM_000138.5(FBN1):c.796delinsTTTTGCAATTGGGTGCAAATGCCCTGCTGGACATT (p.Val266fs)

Gene: FBN1 (fibrillin 1; minus strand). Cytogenetic location: 15q21.1.
Variant type: Indel.
Coding change: c.796delinsTTTTGCAATTGGGTGCAAATGCCCTGCTGGACATT on transcript NM_000138.5 (MANE Select); coding-DNA position 796, the reference bases replaced by an inserted sequence.
Protein change: p.Val266fs; shifts the reading frame from valine 266.
Molecular consequence: frameshift variant.
Genome position (GRCh38, 1-based): chr15:48,534,146, one base replaced. GRCh37 (hg19), VCF-style position (the base before the change): chr15:48,826,343.
Other names: c.796delinsTTTTGCAATTGGGTGCAAATGCCCTGCTGGACATT, p.Val266fs (NM_001406716.1, NM_001406717.1); short protein forms V266fs.
Identifiers: ClinVar variation 4023429 (VCV004023429.1).